The following is an entry in ClinVar:

ClinVar aggregate classification (germline): Conflicting classifications of pathogenicity. Review status: criteria provided, conflicting classifications (1 of 4 stars). 3 submissions from 3 submitters: Uncertain significance (1); Likely benign (2). Last evaluated 2025-07-17.

Conditions:
MAGI2-related disorder. Also called: MAGI2-related condition.

Allele frequency attached by ClinVar (database versions not stated): gnomAD exomes 0.00002; gnomAD 0.00043.
gnomAD v4.1: 82 of 980,904 alleles (0.0084%); highest among the groups gnomAD compares: African/African-American, 0.13%; no homozygotes.

Submissions (3):

PreventionGenetics, part of Exact Sciences
Classification: Likely benign for MAGI2-related condition. Last evaluated: 2025-07-17. Review status: criteria provided, single submitter. Criteria: ACMG Guidelines, 2015. Collection method: clinical testing. Allele origin: germline.
Comment: This variant is classified as likely benign based on ACMG/AMP sequence variant interpretation guidelines (Richards et al. 2015 PMID: 25741868, with internal and published modifications).

Labcorp Genetics (formerly Invitae), Labcorp
Classification: Likely benign. Last evaluated: 2025-07-11. Review status: criteria provided, single submitter. Criteria: Invitae Variant Classification Sherloc (09022015). Collection method: clinical testing. Allele origin: germline.

Blueprint Genetics
Classification: Uncertain significance. Last evaluated: 2022-06-17. Review status: criteria provided, single submitter. Criteria: ACMG Guidelines, 2015. Collection method: clinical testing. Allele origin: germline.

NM_012301.4(MAGI2):c.4216G>A (p.Ala1406Thr)

Gene: MAGI2 (membrane associated guanylate kinase, WW and PDZ domain containing 2; minus strand). Cytogenetic location: 7q21.11.
Variant type: single nucleotide variant.
Coding change: c.4216G>A on transcript NM_012301.4 (MANE Select); coding-DNA position 4216, G replaced by A.
Protein change: p.Ala1406Thr; replaces alanine 1406 with threonine.
Molecular consequence: missense variant.
Genome position (GRCh38, 1-based): chr7:78,019,467, C>T on the plus strand (G>A on the coding strand, the complement: MAGI2 is on the minus strand). VCF-style: chr7-78019467-C-T. GRCh37 (hg19) VCF-style: chr7-77648784-C-T.
Other names: c.4216G>A (NM_012301.3); c.4174G>A, p.Ala1392Thr (NM_001301128.2); short protein forms A1406T, A1392T.
Identifiers: ClinVar variation 2902050 (VCV002902050.5), dbSNP rs952272424, ClinGen allele CA161025218.